The following is an entry in ClinVar:

ClinVar aggregate classification (germline): Conflicting classifications of pathogenicity. Review status: criteria provided, conflicting classifications (1 of 4 stars). 2 submissions from 2 submitters: Uncertain significance (1); Likely benign (1). Last evaluated 2024-09-25.

Conditions:
Ataxia-telangiectasia syndrome (AT). Also called: Cerebello-oculocutaneous telangiectasia; Immunodeficiency with ataxia telangiectasia; ATAXIA-TELANGIECTASIA, FRESNO VARIANT; Ataxia-telangiectasia, complementation group E; Ataxia-telangiectasia, complementation group D; AT, COMPLEMENTATION GROUP C. Identifiers: Orphanet 100, MedGen C0004135, MONDO:0008840, OMIM 208900.
Hereditary cancer-predisposing syndrome. Also called: Tumor predisposition; Hereditary Cancer Syndrome; Hereditary neoplastic syndrome; Neoplastic Syndromes, Hereditary. Identifiers: Orphanet 140162, MedGen C0027672, MeSH D009386, MONDO:0015356.

Submissions (2):

Labcorp Genetics (formerly Invitae), Labcorp
Classification: Likely benign for Ataxia-telangiectasia syndrome. Last evaluated: 2024-09-25. Review status: criteria provided, single submitter. Criteria: Invitae Variant Classification Sherloc (09022015). Collection method: clinical testing. Allele origin: germline.

Ambry Genetics
Classification: Uncertain significance for Hereditary cancer-predisposing syndrome. Last evaluated: 2020-10-30. Review status: criteria provided, single submitter. Criteria: Ambry Variant Classification Scheme 2023. Collection method: clinical testing. Allele origin: germline.
Comment: The p.P1054T variant (also known as c.3160C>A), located in coding exon 21 of the ATM gene, results from a C to A substitution at nucleotide position 3160. The proline at codon 1054 is replaced by threonine, an amino acid with highly similar properties. This amino acid position is highly conserved in available vertebrate species. In addition, this alteration is predicted to be deleterious by in silico analysis. Since supporting evidence is limited at this time, the clinical significance of this alteration remains unclear.

NM_000051.4(ATM):c.3160C>A (p.Pro1054Thr)

Gene: ATM (ATM serine/threonine kinase; plus strand). Cytogenetic location: 11q22.3.
Variant type: single nucleotide variant.
Coding change: c.3160C>A on transcript NM_000051.4 (MANE Select); coding-DNA position 3160, C replaced by A.
Protein change: p.Pro1054Thr; replaces proline 1054 with threonine.
Molecular consequence: missense variant.
Genome position (GRCh38, 1-based): chr11:108,272,728, C>A. VCF-style: chr11-108272728-C-A. GRCh37 (hg19) VCF-style: chr11-108143455-C-A.
Other names: c.3160C>A, p.Pro1054Thr (NM_001351834.2); short protein forms P1054T.
Identifiers: ClinVar variation 1541624 (VCV001541624.10), dbSNP rs775095314, ClinGen allele CA382515514.